The following is an entry in ClinVar:

ClinVar aggregate classification (germline): Uncertain significance (1 of 4 stars; one submission).

Conditions:
Cardiovascular phenotype. Identifiers: MedGen CN230736.

gnomAD v4.1: 2 of 1,613,750 alleles (0.00012%); highest among the groups gnomAD compares: Non-Finnish European, 0.00017%; no homozygotes.

Submission:

Ambry Genetics
Classification: Uncertain significance for Cardiovascular phenotype. Last evaluated: 2019-06-18. Review status: criteria provided, single submitter. Criteria: Ambry Variant Classification Scheme 2023. Collection method: clinical testing. Allele origin: germline.
Comment: The p.I20623V variant (also known as c.61867A>G), located in coding exon 160 of the TTN gene, results from an A to G substitution at nucleotide position 61867. The isoleucine at codon 20623 is replaced by valine, an amino acid with highly similar properties. This amino acid position is highly conserved in available vertebrate species. In addition, this alteration is predicted to be tolerated by in silico analysis. Since supporting evidence is limited at this time, the clinical significance of this alteration remains unclear.

NM_001267550.2(TTN):c.89062A>G (p.Ile29688Val)

Genes: TTN (titin; minus strand), TTN-AS1 (TTN antisense RNA 1; plus strand). Cytogenetic location: 2q31.2.
Variant type: single nucleotide variant.
Coding change: c.89062A>G on transcript NM_001267550.2 (MANE Select); coding-DNA position 89062, A replaced by G.
Protein change: p.Ile29688Val; replaces isoleucine 29688 with valine.
Molecular consequence: missense variant.
Genome position (GRCh38, 1-based): chr2:178,554,049, T>C on the plus strand (A>G on the coding strand, the complement: TTN is on the minus strand). VCF-style: chr2-178554049-T-C. GRCh37 (hg19) VCF-style: chr2-179418776-T-C.
Other names: c.84139A>G, p.Ile28047Val (NM_001256850.1); c.61867A>G, p.Ile20623Val (NM_003319.4); c.81358A>G, p.Ile27120Val (NM_133378.4); c.62242A>G, p.Ile20748Val (NM_133432.3); c.62443A>G, p.Ile20815Val (NM_133437.4); short protein forms I29688V, I27120V, I20623V, I20815V, I28047V, I20748V.
Identifiers: ClinVar variation 1752084 (VCV001752084.2), dbSNP rs748577989, ClinGen allele CA349521254.